The following is an entry in ClinVar:

ClinVar aggregate classification (germline): Uncertain significance. Review status: criteria provided, multiple submitters, no conflicts (2 of 4 stars). 2 submissions from 2 submitters: Uncertain significance (2). Last evaluated 2021-01-19.

Conditions:
Hereditary cancer-predisposing syndrome. Also called: Neoplastic Syndromes, Hereditary; Hereditary Cancer Syndrome; Hereditary neoplastic syndrome; Tumor predisposition. Identifiers: Orphanet 140162, MedGen C0027672, MeSH D009386, MONDO:0015356.
Mitochondrial complex II deficiency, nuclear type 1. Also called: SUCCINATE CoQ REDUCTASE DEFICIENCY. Identifiers: Orphanet 3208, MedGen C5700310, MONDO:0100294, OMIM 252011.
Pheochromocytoma/paraganglioma syndrome 5. Also called: Paragangliomas 5; SDHA-Related Hereditary Paraganglioma-Pheochromocytoma Syndrome. Identifiers: Orphanet 29072, MedGen C3279992, MONDO:0013602, OMIM 614165.

Submissions (2):

Labcorp Genetics (formerly Invitae), Labcorp
Classification: Uncertain significance for Pheochromocytoma/paraganglioma syndrome 5; Mitochondrial complex II deficiency, nuclear type 1. Last evaluated: 2021-01-19. Review status: criteria provided, single submitter. Criteria: Invitae Variant Classification Sherloc (09022015). Collection method: clinical testing. Allele origin: germline.
Comment: This sequence change replaces alanine with valine at codon 652 of the SDHA protein (p.Ala652Val). The alanine residue is weakly conserved and there is a small physicochemical difference between alanine and valine. In summary, the available evidence is currently insufficient to determine the role of this variant in disease. Therefore, it has been classified as a Variant of Uncertain Significance. Algorithms developed to predict the effect of missense changes on protein structure and function (SIFT, PolyPhen-2, Align-GVGD) all suggest that this variant is likely to be tolerated, but these predictions have not been confirmed by published functional studies and their clinical significance is uncertain. This variant has not been reported in the literature in individuals with SDHA-related disease. ClinVar contains an entry for this variant (Variation ID: 486392). This variant is not present in population databases (ExAC no frequency).

Ambry Genetics
Classification: Uncertain significance for Hereditary cancer-predisposing syndrome. Last evaluated: 2016-08-23. Review status: criteria provided, single submitter. Criteria: Ambry Variant Classification Scheme 2023. Collection method: clinical testing. Allele origin: germline.
Comment: The p.A652V variant (also known as c.1955C>T), located in coding exon 15 of the SDHA gene, results from a C to T substitution at nucleotide position 1955. The alanine at codon 652 is replaced by valine, an amino acid with similar properties. This variant was not reported in population based cohorts in the following databases: Database of Single Nucleotide Polymorphisms (dbSNP), NHLBI Exome Sequencing Project (ESP), and 1000 Genomes Project. In the ESP, this variant was not observed in 6503 samples (13006 alleles) with coverage at this position. To date, this alteration has been detected with an allele frequency of approximately 0.005% (greater than 20000 alleles tested) in our clinical cohort. This amino acid position is not well conserved in available vertebrate species. In addition, this alteration is predicted to be tolerated by in silico analysis. Since supporting evidence is limited at this time, the clinical significance of this alteration remains unclear.

NM_004168.4(SDHA):c.1955C>T (p.Ala652Val)

Gene: SDHA (succinate dehydrogenase complex flavoprotein subunit A; plus strand). Cytogenetic location: 5p15.33.
Variant type: single nucleotide variant.
Coding change: c.1955C>T on transcript NM_004168.4 (MANE Select); coding-DNA position 1955, C replaced by T.
Protein change: p.Ala652Val; replaces alanine 652 with valine.
Molecular consequence: missense variant.
Genome position (GRCh38, 1-based): chr5:256,380, C>T. VCF-style: chr5-256380-C-T. GRCh37 (hg19) VCF-style: chr5-256495-C-T.
Other names: c.1811C>T, p.Ala604Val (NM_001294332.2); c.1712C>T, p.Ala571Val (NM_001330758.2); short protein forms A652V, A604V, A571V.
Identifiers: ClinVar variation 486392 (VCV000486392.15), dbSNP rs1554002888, ClinGen allele CA359002953.
Genomic context (GRCh38, chr5:256,380, plus strand): 5'-CTCTTCTTTTCAAGGTCACTCTGGAATATAGACCCGTGATCGACAAAACTTTGAACGAGG[C>T]TGACTGTGCCACCGTCCCGCCAGCCATTCGCTCCTACTGATGAGACAAGATGTGGTGATG-3'
Protein context (NP_004159.2, residues 642-662): RPVIDKTLNE[Ala652Val]DCATVPPAIR